The following is an entry in ClinVar:

NM_177438.3(DICER1):c.2659T>C (p.Ser887Pro)

Gene: DICER1 (dicer 1, ribonuclease III; minus strand). Cytogenetic location: 14q32.13.
Variant type: single nucleotide variant.
Coding change: c.2659T>C on transcript NM_177438.3 (MANE Select); coding-DNA position 2659, T replaced by C.
Protein change: p.Ser887Pro; replaces serine 887 with proline.
Molecular consequence: missense variant.
Genome position (GRCh38, 1-based): chr14:95,107,753, A>G on the plus strand (T>C on the coding strand, the complement: DICER1 is on the minus strand). VCF-style: chr14-95107753-A-G. GRCh37 (hg19) VCF-style: chr14-95574090-A-G.
Other names: c.2659T>C, p.Ser887Pro (NM_001195573.1, NM_001271282.3, NM_001291628.2 and 1 more transcripts); short protein forms S887P.
Identifiers: ClinVar variation 242068 (VCV000242068.18), dbSNP rs878855251, ClinGen allele CA10583209.
Genomic context (GRCh38, chr14:95,107,753, plus strand): 5'-TGCGAGCTTCAGACTTCTCAATATCTTCCATGAATTTAAAGTCAATATCCAAAGTGCTGG[A>G]GTCATTAACTTAGAAGAGAAAAACGACTCTTTAGCTTGTTAAAACATGATACAGATAAGT-3'
Protein context (NP_803187.1, residues 877-897): CVLPLNVVND[Ser887Pro]STLDIDFKFM

ClinVar aggregate classification (germline): Uncertain significance. Review status: criteria provided, multiple submitters, no conflicts (2 of 4 stars). 3 submissions from 3 submitters: Uncertain significance (3). Last evaluated 2026-10-01.

Conditions:
DICER1-related tumor predisposition. Also called: DICER1 syndrome; DICER1-related pleuropulmonary blastoma cancer predisposition syndrome. Identifiers: Orphanet 284343, MedGen C3839822, MONDO:0100216.
Hereditary cancer-predisposing syndrome. Also called: Hereditary neoplastic syndrome; Hereditary Cancer Syndrome; Neoplastic Syndromes, Hereditary; Tumor predisposition. Identifiers: Orphanet 140162, MedGen C0027672, MeSH D009386, MONDO:0015356.
Pleuropulmonary blastoma (PPB). Identifiers: Orphanet 64742, MedGen C1266144, MONDO:0011014, OMIM 601200, HP:0100528.

Allele frequency attached by ClinVar (database versions not stated): gnomAD exomes below 0.00001; TOPMed below 0.00001.
gnomAD v4.1: 2 of 1,491,344 alleles (0.00013%); highest among the groups gnomAD compares: Non-Finnish European, 0.00019%; no homozygotes.

Submissions (3):

St. Jude Molecular Pathology, St. Jude Children's Research Hospital
Classification: Uncertain significance for Pleuropulmonary blastoma. Last evaluated: 2026-10-01. Review status: criteria provided, single submitter. Criteria: St. Jude Assertion Criteria 2020. Collection method: clinical testing. Allele origin: germline.
Comment: The DICER1 c.2659T>C p.(Ser887Pro) missense change is absent in gnomAD v2.1.1. The in silico tool REVEL predicts a benign effect on protein function, but to our knowledge this prediction has not been confirmed by functional studies. To our knowledge, this variant has not been reported in the literature in individuals with DICER1 syndrome. In summary, the evidence currently available is insufficient to determine the clinical significance of this variant. It has therefore been classified as of uncertain significance.Ã¢ € ¯

Labcorp Genetics (formerly Invitae), Labcorp
Classification: Uncertain significance for DICER1-related tumor predisposition. Last evaluated: 2025-09-02. Review status: criteria provided, single submitter. Criteria: Invitae Variant Classification Sherloc (09022015). Collection method: clinical testing. Allele origin: germline.
Comment: This sequence change replaces serine, which is neutral and polar, with proline, which is neutral and non-polar, at codon 887 of the DICER1 protein (p.Ser887Pro). This variant is not present in population databases (gnomAD no frequency). This variant has not been reported in the literature in individuals affected with DICER1-related conditions. ClinVar contains an entry for this variant (Variation ID: 242068). Invitae Evidence Modeling of protein sequence and biophysical properties (such as structural, functional, and spatial information, amino acid conservation, physicochemical variation, residue mobility, and thermodynamic stability) indicates that this missense variant is not expected to disrupt DICER1 protein function with a negative predictive value of 95%. In summary, the available evidence is currently insufficient to determine the role of this variant in disease. Therefore, it has been classified as a Variant of Uncertain Significance.

Ambry Genetics
Classification: Uncertain significance for Hereditary cancer-predisposing syndrome. Last evaluated: 2024-07-09. Review status: criteria provided, single submitter. Criteria: Ambry Variant Classification Scheme 2023. Collection method: clinical testing. Allele origin: germline.
Comment: The p.S887P variant (also known as c.2659T>C), located in coding exon 16 of the DICER1 gene, results from a T to C substitution at nucleotide position 2659. The serine at codon 887 is replaced by proline, an amino acid with similar properties. This amino acid position is highly conserved in available vertebrate species. In addition, the in silico prediction for this alteration is inconclusive. Based on the available evidence, the clinical significance of this variant remains unclear.